The following is an entry in ClinVar:

NM_001111077.2(EZR):c.1050G>A (p.Arg350=)

Gene: EZR (ezrin; minus strand). Cytogenetic location: 6q25.3.
Variant type: single nucleotide variant.
Coding change: c.1050G>A on transcript NM_001111077.2 (MANE Select); coding-DNA position 1050, G replaced by A.
Protein change: p.Arg350=; no amino-acid change (arginine 350 retained).
Molecular consequence: synonymous variant.
Genome position (GRCh38, 1-based): chr6:158,770,804, C>T on the plus strand (G>A on the coding strand, the complement: EZR is on the minus strand). VCF-style: chr6-158770804-C-T. GRCh37 (hg19) VCF-style: chr6-159191836-C-T.
Other names: c.1050G>A, p.Arg350= (NM_003379.5).
Identifiers: ClinVar variation 3047722 (VCV003047722.2), dbSNP rs751186941, ClinGen allele CA151009128.

ClinVar aggregate classification (germline): Likely benign (0 of 4 stars; one submission).

Conditions:
EZR-related disorder. Also called: EZR-related condition.

Allele frequency attached by ClinVar (database versions not stated): TOPMed 0.00002; gnomAD exomes 0.00004.
gnomAD v4.1: 63 of 1,614,200 alleles (0.0039%); highest among the groups gnomAD compares: Admixed American, 0.0067%; no homozygotes.

Submission:

PreventionGenetics, part of Exact Sciences
Classification: Likely benign for EZR-related condition. Last evaluated: 2019-03-08. Review status: no assertion criteria provided. Collection method: clinical testing. Allele origin: germline.
Comment: This variant is classified as likely benign based on ACMG/AMP sequence variant interpretation guidelines (Richards et al. 2015 PMID: 25741868, with internal and published modifications).